The following is an entry in ClinVar:

NM_014218.3(KIR2DL1):c.273G>A (p.Thr91=)

Gene: KIR2DL1 (killer cell immunoglobulin like receptor, two Ig domains and long cytoplasmic tail 1). Cytogenetic location: 19q13.42.
Variant type: single nucleotide variant.
Coding change: c.273G>A on transcript NM_014218.3 (MANE Select); coding-DNA position 273, G replaced by A.
Protein change: p.Thr91=; no amino-acid change (threonine 91 retained).
Molecular consequence: synonymous variant.
Genome position (GRCh38, 1-based): chr19:54,773,535, G>A. VCF-style: chr19-54773535-G-A. GRCh37 (hg19) VCF-style: chr19-55284987-G-A.
Identifiers: ClinVar variation 2650463 (VCV002650463.25), dbSNP rs74415453, ClinGen allele CA309884595.

ClinVar aggregate classification (germline): Likely benign. Review status: criteria provided, single submitter (1 of 4 stars). 2 submissions from 2 submitters: Likely benign (1). 1 of the submissions does not count toward it. Last evaluated 2023-08-01.

Conditions:
KIR2DL1-related disorder. Also called: KIR2DL1-related condition.

Allele frequency attached by ClinVar (database versions not stated): 1000 Genomes Project 0.00040; 1000 Genomes Project 30x 0.00219.

Submissions (2):

CeGaT Center for Human Genetics Tuebingen
Classification: Likely benign. Last evaluated: 2023-08-01. Review status: criteria provided, single submitter. Criteria: CeGaT Center For Human Genetics Tuebingen Variant Classification Criteria Version 2. Collection method: clinical testing. Allele origin: germline. Affected: yes. Observed: 1 variant allele.
Comment: KIR2DL1: BP4, BP7, BS2

PreventionGenetics, part of Exact Sciences
Classification: Likely benign for KIR2DL1-related condition. Last evaluated: 2022-08-02. Review status: no assertion criteria provided. Collection method: clinical testing. Allele origin: germline. Not counted in ClinVar's aggregate classification.
Comment: This variant is classified as likely benign based on ACMG/AMP sequence variant interpretation guidelines (Richards et al. 2015 PMID: 25741868, with internal and published modifications).